The following is an entry in ClinVar:

ClinVar aggregate classification (germline): Likely benign. Review status: criteria provided, multiple submitters, no conflicts (2 of 4 stars). 3 submissions from 3 submitters: Likely benign (3). Last evaluated 2026-02-27.

Conditions:
PDE6B-related disorder. Also called: PDE6B-related disorders; PDE6B-related disease; PDE6B-related condition.

Allele frequency attached by ClinVar (database versions not stated): gnomAD 0.00001; gnomAD exomes 0.00002; ExAC 0.00004.
gnomAD v4.1: 28 of 1,566,338 alleles (0.0018%); highest among the groups gnomAD compares: South Asian, 0.007%; no homozygotes.

Submissions (3):

PreventionGenetics, part of Exact Sciences
Classification: Likely benign for PDE6B-related condition. Last evaluated: 2026-02-27. Review status: criteria provided, single submitter. Criteria: ACMG Guidelines, 2015. Collection method: clinical testing. Allele origin: germline.
Comment: This variant is classified as likely benign based on ACMG/AMP sequence variant interpretation guidelines (Richards et al. 2015 PMID: 25741868, with internal and published modifications).

Blueprint Genetics
Classification: Likely benign. Last evaluated: 2024-04-24. Review status: criteria provided, single submitter. Criteria: ACMG Guidelines, 2015. Collection method: clinical testing. Allele origin: germline.

Labcorp Genetics (formerly Invitae), Labcorp
Classification: Likely benign. Last evaluated: 2022-05-27. Review status: criteria provided, single submitter. Criteria: Invitae Variant Classification Sherloc (09022015). Collection method: clinical testing. Allele origin: germline.

NM_000283.4(PDE6B):c.1632G>A (p.Leu544=)

Gene: PDE6B (phosphodiesterase 6B; plus strand). Cytogenetic location: 4p16.3.
Variant type: single nucleotide variant.
Coding change: c.1632G>A on transcript NM_000283.4 (MANE Select); coding-DNA position 1632, G replaced by A.
Protein change: p.Leu544=; no amino-acid change (leucine 544 retained).
Molecular consequence: synonymous variant.
Genome position (GRCh38, 1-based): chr4:662,151, G>A. VCF-style: chr4-662151-G-A. GRCh37 (hg19) VCF-style: chr4-655940-G-A.
Other names: c.1632G>A, p.Leu544= (NM_001145291.2); c.795G>A, p.Leu265= (NM_001145292.2, NM_001350154.3, NM_001379246.1 and 1 more transcripts); c.477G>A, p.Leu159= (NM_001350155.3); c.1632G>A (NM_000283.3).
Identifiers: ClinVar variation 1602448 (VCV001602448.10), dbSNP rs753504550, ClinGen allele CA2794625.